The following is an entry in ClinVar:

ClinVar aggregate classification (germline): Uncertain significance (1 of 4 stars; one submission).

Conditions:
Hereditary cancer-predisposing syndrome. Also called: Hereditary Cancer Syndrome; Tumor predisposition; Neoplastic Syndromes, Hereditary; Hereditary neoplastic syndrome. Identifiers: Orphanet 140162, MedGen C0027672, MeSH D009386, MONDO:0015356.

Allele frequency attached by ClinVar (database versions not stated): gnomAD exomes below 0.00001.
gnomAD v4.1: 1 of 1,612,834 alleles (0.000062%); highest among the groups gnomAD compares: Non-Finnish European, 0.000085%; no homozygotes.

Submission:

Ambry Genetics
Classification: Uncertain significance for Hereditary cancer-predisposing syndrome. Last evaluated: 2025-12-21. Review status: criteria provided, single submitter. Criteria: Ambry Variant Classification Scheme 2023. Collection method: clinical testing. Allele origin: germline.
Comment: The p.H245R variant (also known as c.734A>G), located in coding exon 7 of the MRE11A gene, results from an A to G substitution at nucleotide position 734. The histidine at codon 245 is replaced by arginine, an amino acid with highly similar properties. This amino acid position is highly conserved in available vertebrate species. In addition, this alteration is predicted to be deleterious by in silico analysis. Since supporting evidence is limited at this time, the clinical significance of this alteration remains unclear.

NM_005591.4(MRE11):c.734A>G (p.His245Arg)

Gene: MRE11 (MRE11 double strand break repair nuclease; minus strand). Cytogenetic location: 11q21.
Variant type: single nucleotide variant.
Coding change: c.734A>G on transcript NM_005591.4 (MANE Select); coding-DNA position 734, A replaced by G.
Protein change: p.His245Arg; replaces histidine 245 with arginine.
Molecular consequence: missense variant.
Genome position (GRCh38, 1-based): chr11:94,471,685, T>C on the plus strand (A>G on the coding strand, the complement: MRE11 is on the minus strand). VCF-style: chr11-94471685-T-C. GRCh37 (hg19) VCF-style: chr11-94204851-T-C.
Other names: c.734A>G, p.His245Arg (NM_001330347.2, NM_005590.4); short protein forms H245R.
Identifiers: ClinVar variation 826982 (VCV000826982.5), dbSNP rs1555013153, ClinGen allele CA382375795.